The following is an entry in ClinVar:

NM_000202.8(IDS):c.43del (p.Leu15fs)

Genes: IDS (iduronate 2-sulfatase; minus strand), LOC130068781 (ATAC-STARR-seq lymphoblastoid active region 30015; plus strand). Cytogenetic location: Xq28.
Variant type: Deletion.
Coding change: c.43del on transcript NM_000202.8 (MANE Select); coding-DNA position 43, one base deleted (C; older notation c.43delC).
Protein change: p.Leu15fs; shifts the reading frame from leucine 15.
Molecular consequence: frameshift variant. On other transcripts: 5 prime UTR variant (1), non-coding transcript variant (1).
Genome position (GRCh38, 1-based): chrX:149,505,095, G deleted on the plus strand (C on the coding strand, the reverse complement: IDS is on the minus strand). VCF-style (leftmost placement, unchanged base first): chrX-149505094-AG-A. GRCh37 (hg19) VCF-style: chrX-148586624-AG-A.
Other names: c.-184del (NM_001166550.4); c.43del, p.Leu15fs (NM_006123.5); short protein forms L15fs.
Identifiers: ClinVar variation 3255628 (VCV003255628.2).

ClinVar aggregate classification (germline): Pathogenic (1 of 4 stars; one submission).

Conditions:
Mucopolysaccharidosis, MPS-II (MPS2). Also called: Hunter Syndrome; IDURONATE 2-SULFATASE DEFICIENCY; Mucopolysaccharidosis Type II; Mucopolysaccharidosis type 2; Attenuated MPS (subtype; formerly known as mild MPS II); Severe MPS II. Identifiers: Orphanet 580, Orphanet 79388, MedGen C0026705, MONDO:0010674, OMIM 309900.

Submission:

Laboratory of Diagnosis and Therapy of Lysosomal Disorders, University of Padova
Classification: Pathogenic for Mucopolysaccharidosis, MPS-II. Last evaluated: 2024-06-07. Review status: criteria provided, single submitter. Criteria: ACMG Guidelines, 2015. Collection method: literature only. Allele origin: germline. Affected: yes. Observed: 2 variant alleles.
Comment: Null variant (PVS1_VeryStrong), Absent from controls (or at low frequency) in gnomAD database (PM2_Moderate), Patient’s phenotype or family history highly specific for the disease (PP4_Strong)

Classification method: ACMG Guidelines [PMID:25741868] with modifications

Literature cited by the submitters: PubMed 8111411; PubMed 7887413.